The following is an entry in ClinVar:

NM_000384.3(APOB):c.7550A>G (p.Glu2517Gly)

Gene: APOB (apolipoprotein B; minus strand). Cytogenetic location: 2p24.1.
Variant type: single nucleotide variant.
Coding change: c.7550A>G on transcript NM_000384.3 (MANE Select); coding-DNA position 7550, A replaced by G.
Protein change: p.Glu2517Gly; replaces glutamic acid 2517 with glycine.
Molecular consequence: missense variant.
Genome position (GRCh38, 1-based): chr2:21,009,318, T>C on the plus strand (A>G on the coding strand, the complement: APOB is on the minus strand). VCF-style: chr2-21009318-T-C. GRCh37 (hg19) VCF-style: chr2-21232190-T-C.
Other names: short protein forms E2517G.
Identifiers: ClinVar variation 2931605 (VCV002931605.5), dbSNP rs776408645, ClinGen allele CA064499.

ClinVar aggregate classification (germline): Conflicting classifications of pathogenicity. Review status: criteria provided, conflicting classifications (1 of 4 stars). 2 submissions from 2 submitters: Uncertain significance (1); Likely benign (1). Last evaluated 2025-08-28.

Conditions:
Cardiovascular phenotype. Identifiers: MedGen CN230736.
Familial hypobetalipoproteinemia 1. Also called: APOB-Related Familial Hypobetalipoproteinemia; Hypobetalipoproteinemia, normotriglyceridemic; Acanthocytosis with hypobetalipoproteinemia. Identifiers: MedGen C4551990, MONDO:0014252, OMIM 615558.
Hypercholesterolemia, autosomal dominant, type B (FHCL2). Also called: Familial Hypercholesterolemia Type B; APOLIPOPROTEIN B-100, FAMILIAL DEFECTIVE; APOLIPOPROTEIN B-100, FAMILIAL LIGAND-DEFECTIVE; HYPERCHOLESTEROLEMIA, FAMILIAL, DUE TO LIGAND-DEFECTIVE APOLIPOPROTEIN B; Hyperlipoproteinemia Type IIb; Familial hypercholesterolemia 2. Identifiers: MedGen C1704417, MONDO:0007751, OMIM 144010.

Allele frequency attached by ClinVar (database versions not stated): gnomAD 0.00001; gnomAD exomes 0.00001 and 0.00002; ExAC 0.00002; TOPMed below 0.00001.
gnomAD v4.1: 5 of 1,613,998 alleles (0.00031%); highest among the groups gnomAD compares: Admixed American, 0.0083%; no homozygotes.

Submissions (2):

Ambry Genetics
Classification: Uncertain significance for Cardiovascular phenotype. Last evaluated: 2025-08-28. Review status: criteria provided, single submitter. Criteria: Ambry Variant Classification Scheme 2023. Collection method: clinical testing. Allele origin: germline.
Comment: The p.E2517G variant (also known as c.7550A>G), located in coding exon 26 of the APOB gene, results from an A to G substitution at nucleotide position 7550. The glutamic acid at codon 2517 is replaced by glycine, an amino acid with similar properties. This amino acid position is conserved. In addition, this alteration is predicted to be tolerated by in silico analysis. Based on the available evidence, the clinical significance of this variant remains unclear.

Labcorp Genetics (formerly Invitae), Labcorp
Classification: Likely benign for Familial hypobetalipoproteinemia 1; Hypercholesterolemia, autosomal dominant, type B. Last evaluated: 2023-04-20. Review status: criteria provided, single submitter. Criteria: Invitae Variant Classification Sherloc (09022015). Collection method: clinical testing. Allele origin: germline.